The following is an entry in ClinVar:

NM_002769.5(PRSS1):c.119C>A (p.Ser40Tyr)

Genes: PRSS1 (serine protease 1; plus strand), TRB (T cell receptor beta locus; plus strand). Cytogenetic location: 7q34.
Variant type: single nucleotide variant.
Coding change: c.119C>A on transcript NM_002769.5 (MANE Select); coding-DNA position 119, C replaced by A.
Protein change: p.Ser40Tyr; replaces serine 40 with tyrosine.
Molecular consequence: missense variant.
Genome position (GRCh38, 1-based): chr7:142,750,633, C>A. VCF-style: chr7-142750633-C-A. GRCh37 (hg19) VCF-style: chr7-142458484-C-A.
Other names: short protein forms S40Y.
Identifiers: ClinVar variation 1039031 (VCV001039031.10), dbSNP rs768277012, ClinGen allele CA4529681.
Genomic context (GRCh38, chr7:142,750,633, plus strand): 5'-ATGATGACAAGATCGTTGGGGGCTACAACTGTGAGGAGAATTCTGTCCCCTACCAGGTGT[C>A]CCTGAATTCTGGCTACCACTTCTGTGGTGGCTCCCTCATCAACGAACAGTGGGTGGTATC-3'
Protein context (NP_002760.1, residues 30-50): CEENSVPYQV[Ser40Tyr]LNSGYHFCGG

ClinVar aggregate classification (germline): Uncertain significance. Review status: criteria provided, multiple submitters, no conflicts (2 of 4 stars). 2 submissions from 2 submitters: Uncertain significance (2). Last evaluated 2024-01-23.

Conditions:
Hereditary pancreatitis (PCTT). Also called: PRSS1-Related Hereditary Pancreatitis; Hereditary chronic pancreatitis. Identifiers: Orphanet 676, MedGen C0238339, MONDO:0008185, OMIM 167800.

Submissions (2):

Ambry Genetics
Classification: Uncertain significance for Hereditary pancreatitis. Last evaluated: 2024-01-23. Review status: criteria provided, single submitter. Criteria: Ambry Variant Classification Scheme 2023. Collection method: clinical testing. Allele origin: germline.
Comment: The p.S40Y variant (also known as c.119C>A), located in coding exon 2 of the PRSS1 gene, results from a C to A substitution at nucleotide position 119. The serine at codon 40 is replaced by tyrosine, an amino acid with dissimilar properties. This amino acid position is conserved. In addition, this alteration is predicted to be deleterious by in silico analysis. Since supporting evidence is limited at this time, the clinical significance of this alteration remains unclear.

Labcorp Genetics (formerly Invitae), Labcorp
Classification: Uncertain significance for Hereditary pancreatitis. Last evaluated: 2020-03-06. Review status: criteria provided, single submitter. Criteria: Invitae Variant Classification Sherloc (09022015). Collection method: clinical testing. Allele origin: germline.
Comment: In summary, the available evidence is currently insufficient to determine the role of this variant in disease. Therefore, it has been classified as a Variant of Uncertain Significance. Algorithms developed to predict the effect of missense changes on protein structure and function output the following: SIFT: "Deleterious"; PolyPhen-2: "Possibly Damaging"; Align-GVGD: "Class C65". The tyrosine amino acid residue is found in multiple mammalian species, suggesting that this missense change does not adversely affect protein function. These predictions have not been confirmed by published functional studies and their clinical significance is uncertain. This variant has not been reported in the literature in individuals with PRSS1-related conditions. This variant is present in population databases (rs768277012, ExAC 0.001%). This sequence change replaces serine with tyrosine at codon 40 of the PRSS1 protein (p.Ser40Tyr). The serine residue is highly conserved and there is a large physicochemical difference between serine and tyrosine.